The following is an entry in ClinVar:

ClinVar aggregate classification (germline): Likely benign (1 of 4 stars; one submission).

gnomAD v4.1: 4 of 1,613,932 alleles (0.00025%); highest among the groups gnomAD compares: Admixed American, 0.0033%; no homozygotes.

Submission:

CeGaT Center for Human Genetics Tuebingen
Classification: Likely benign. Last evaluated: 2025-11-01. Review status: criteria provided, single submitter. Criteria: CeGaT Center For Human Genetics Tuebingen Variant Classification Criteria Version 2. Collection method: clinical testing. Allele origin: germline. Affected: yes. Observed: 1 variant allele.
Comment: MAST1: BP4, BP7

NM_014975.3(MAST1):c.1869C>T (p.Ser623=)

Gene: MAST1 (microtubule associated serine/threonine kinase 1; plus strand). Cytogenetic location: 19p13.13.
Variant type: single nucleotide variant.
Coding change: c.1869C>T on transcript NM_014975.3 (MANE Select); coding-DNA position 1869, C replaced by T.
Protein change: p.Ser623=; no amino-acid change (serine 623 retained).
Molecular consequence: synonymous variant.
Genome position (GRCh38, 1-based): chr19:12,865,781, C>T. VCF-style: chr19-12865781-C-T. GRCh37 (hg19) VCF-style: chr19-12976595-C-T.
Identifiers: ClinVar variation 4535275 (VCV004535275.6).